The following is an entry in ClinVar:

ClinVar aggregate classification (germline): Likely benign. Review status: criteria provided, multiple submitters, no conflicts (2 of 4 stars). 6 submissions from 6 submitters: Likely benign (5). 1 of the submissions does not count toward it. Last evaluated 2026-07-01.

Conditions:
Inborn genetic diseases. Identifiers: MedGen C0950123, MeSH D030342.
CHD8-related disorder. Also called: CHD8-related disorders; CHD8-related condition.

Submissions (6):

CeGaT Center for Human Genetics Tuebingen
Classification: Likely benign. Last evaluated: 2026-07-01. Review status: criteria provided, single submitter. Criteria: CeGaT Center For Human Genetics Tuebingen Variant Classification Criteria Version 2. Collection method: clinical testing. Allele origin: germline. Affected: yes. Observed: 3 variant alleles.
Comment: CHD8: PM4:Supporting, BP3, BS2

Labcorp Genetics (formerly Invitae), Labcorp
Classification: Likely benign. Last evaluated: 2025-03-06. Review status: criteria provided, single submitter. Criteria: Invitae Variant Classification Sherloc (09022015). Collection method: clinical testing. Allele origin: germline.

Laboratory of Genetics, Children's Clinical University Hospital Latvia
Classification: Likely benign. Last evaluated: 2025-02-16. Review status: criteria provided, single submitter. Criteria: ACMG Guidelines, 2015. Collection method: clinical testing. Allele origin: germline. Affected: yes.

GeneDx
Classification: Likely benign. Last evaluated: 2019-10-18. Review status: criteria provided, single submitter. Criteria: GeneDx Variant Classification Process June 2021. Collection method: clinical testing. Allele origin: germline. Affected: yes.

Ambry Genetics
Classification: Likely benign for Inborn genetic diseases. Last evaluated: 2017-09-25. Review status: criteria provided, single submitter. Criteria: Ambry Variant Classification Scheme 2023. Collection method: clinical testing. Allele origin: germline.

PreventionGenetics, part of Exact Sciences
Classification: Likely benign for CHD8-related condition. Last evaluated: 2024-03-19. Review status: no assertion criteria provided. Collection method: clinical testing. Allele origin: germline. Not counted in ClinVar's aggregate classification.
Comment: This variant is classified as likely benign based on ACMG/AMP sequence variant interpretation guidelines (Richards et al. 2015 PMID: 25741868, with internal and published modifications).

NM_001170629.2(CHD8):c.1791AGA[3] (p.Glu601del)

Gene: CHD8 (chromodomain helicase DNA binding protein 8; minus strand). Cytogenetic location: 14q11.2.
Variant type: Microsatellite.
Coding change: c.1791AGA[3] on transcript NM_001170629.2 (MANE Select); three copies in a row of the 3-base unit AGA starting at c.1791; the reference has four copies in a row; one copy, 3 bases deleted.
Protein change: p.Glu601del; deletes glutamic acid 601.
Molecular consequence: inframe deletion.
Genome position (GRCh38, 1-based): chr14:21,415,822-21,415,824, TCT deleted on the plus strand (AGA on the coding strand, the reverse complement: CHD8 is on the minus strand); deleting any 3 consecutive bases within chr14:21,415,822-21,415,835 gives the same sequence; the position shown is the placement nearest the transcript's 3' end. VCF-style (leftmost placement, unchanged base first): chr14-21415821-CTCT-C. GRCh37 (hg19) VCF-style: chr14-21883980-CTCT-C.
Other names: c.954AGA[3], p.Glu322del (NM_020920.4); short protein forms E601del, E322del.
Identifiers: ClinVar variation 623834 (VCV000623834.44), dbSNP rs757502536, ClinGen allele CA7091708.